The following is an entry in ClinVar:

ClinVar aggregate classification (germline): Likely benign. Review status: criteria provided, multiple submitters, no conflicts (2 of 4 stars). 3 submissions from 3 submitters: Likely benign (3). Last evaluated 2025-12-16.

Conditions:
Cardiovascular phenotype. Identifiers: MedGen CN230736.
Long QT syndrome (LQTS). Identifiers: MedGen C0023976, MeSH D008133, MONDO:0002442. Disease mechanism: loss of function. Inheritance: Various modes of inheritance.

Allele frequency attached by ClinVar (database versions not stated): gnomAD exomes below 0.00001 and 0.00001; ExAC 0.00001; TOPMed 0.00001.
gnomAD v4.1: 8 of 1,597,834 alleles (0.0005%); highest among the groups gnomAD compares: Non-Finnish European, 0.000085%; no homozygotes.

Submissions (3):

Labcorp Genetics (formerly Invitae), Labcorp
Classification: Likely benign for Long QT syndrome. Last evaluated: 2025-12-16. Review status: criteria provided, single submitter. Criteria: Invitae Variant Classification Sherloc (09022015). Collection method: clinical testing. Allele origin: germline.

Ambry Genetics
Classification: Likely benign for Cardiovascular phenotype. Last evaluated: 2024-12-29. Review status: criteria provided, single submitter. Criteria: Ambry Variant Classification Scheme 2023. Collection method: clinical testing. Allele origin: germline.

CeGaT Center for Human Genetics Tuebingen
Classification: Likely benign. Last evaluated: 2023-05-01. Review status: criteria provided, single submitter. Criteria: CeGaT Center For Human Genetics Tuebingen Variant Classification Criteria Version 2. Collection method: clinical testing. Allele origin: germline. Affected: yes. Observed: 1 variant allele.
Comment: KCNQ1: BP4, BP7

NM_000218.3(KCNQ1):c.282C>T (p.Tyr94=)

Gene: KCNQ1 (potassium voltage-gated channel subfamily Q member 1; plus strand). Cytogenetic location: 11p15.5.
Variant type: single nucleotide variant.
Coding change: c.282C>T on transcript NM_000218.3 (MANE Select); coding-DNA position 282, C replaced by T.
Protein change: p.Tyr94=; no amino-acid change (tyrosine 94 retained).
Molecular consequence: synonymous variant.
Genome position (GRCh38, 1-based): chr11:2,445,380, C>T. VCF-style: chr11-2445380-C-T. GRCh37 (hg19) VCF-style: chr11-2466610-C-T.
Other names: c.282C>T (NM_000218.2).
Identifiers: ClinVar variation 1129913 (VCV001129913.37), dbSNP rs750648908, ClinGen allele CA034824.